The following is an entry in ClinVar:

NM_003630.3(PEX3):c.1000C>T (p.His334Tyr)

Gene: PEX3 (peroxisomal biogenesis factor 3; plus strand). Cytogenetic location: 6q24.2.
Variant type: single nucleotide variant.
Coding change: c.1000C>T on transcript NM_003630.3 (MANE Select); coding-DNA position 1000, C replaced by T.
Protein change: p.His334Tyr; replaces histidine 334 with tyrosine.
Molecular consequence: missense variant.
Genome position (GRCh38, 1-based): chr6:143,485,210, C>T. VCF-style: chr6-143485210-C-T. GRCh37 (hg19) VCF-style: chr6-143806347-C-T.
Other names: short protein forms H334Y.
Identifiers: ClinVar variation 2098397 (VCV002098397.4), dbSNP rs2482459570, ClinGen allele CA365887509.

ClinVar aggregate classification (germline): Uncertain significance (1 of 4 stars; one submission).

Submission:

Labcorp Genetics (formerly Invitae), Labcorp
Classification: Uncertain significance. Last evaluated: 2024-10-30. Review status: criteria provided, single submitter. Criteria: Invitae Variant Classification Sherloc (09022015). Collection method: clinical testing. Allele origin: germline.
Comment: This sequence change replaces histidine, which is basic and polar, with tyrosine, which is neutral and polar, at codon 334 of the PEX3 protein (p.His334Tyr). This variant is not present in population databases (gnomAD no frequency). This variant has not been reported in the literature in individuals affected with PEX3-related conditions. ClinVar contains an entry for this variant (Variation ID: 2098397). Invitae Evidence Modeling of protein sequence and biophysical properties (such as structural, functional, and spatial information, amino acid conservation, physicochemical variation, residue mobility, and thermodynamic stability) indicates that this missense variant is not expected to disrupt PEX3 protein function with a negative predictive value of 80%. In summary, the available evidence is currently insufficient to determine the role of this variant in disease. Therefore, it has been classified as a Variant of Uncertain Significance.